The following is an entry in ClinVar:

NM_005188.4(CBL):c.2584G>A (p.Glu862Lys)

Gene: CBL (Cbl proto-oncogene; plus strand). Cytogenetic location: 11q23.3.
Variant type: single nucleotide variant.
Coding change: c.2584G>A on transcript NM_005188.4 (MANE Select); coding-DNA position 2584, G replaced by A.
Protein change: p.Glu862Lys; replaces glutamic acid 862 with lysine.
Molecular consequence: missense variant.
Genome position (GRCh38, 1-based): chr11:119,299,644, G>A. VCF-style: chr11-119299644-G-A. GRCh37 (hg19) VCF-style: chr11-119170354-G-A.
Other names: p.E862K:GAG>AAG; short protein forms E862K.
Identifiers: ClinVar variation 40426 (VCV000040426.14), dbSNP rs397507498, ClinGen allele CA282055.

ClinVar aggregate classification (germline): Uncertain significance. Review status: criteria provided, multiple submitters, no conflicts (2 of 4 stars). 5 submissions from 5 submitters: Uncertain significance (5). Last evaluated 2026-03-17.

Conditions:
CBL-related disorder. Also called: NOONAN SYNDROME-LIKE DISORDER WITHOUT JUVENILE MYELOMONOCYTIC LEUKEMIA; CBL MUTATION-ASSOCIATED SYNDROME; CBL SYNDROME. Identifiers: Orphanet 363972, MedGen C3150803, MONDO:0013308, OMIM 613563.
Juvenile myelomonocytic leukemia (JMML). Also called: LEUKEMIA, JUVENILE MYELOMONOCYTIC, SOMATIC. Identifiers: Orphanet 86834, MedGen C0349639, MONDO:0011908, OMIM 607785, HP:0012209.
Cardiovascular phenotype. Identifiers: MedGen CN230736.
RASopathy. Also called: rasopathies; Noonan spectrum disorder. Identifiers: Orphanet 536391, MedGen C5555857, MONDO:0021060.

Allele frequency attached by ClinVar (database versions not stated): TOPMed below 0.00001; gnomAD 0.00001; gnomAD exomes 0.00002; ExAC 0.00003.
gnomAD v4.1: 33 of 1,614,030 alleles (0.002%); highest among the groups gnomAD compares: Middle Eastern, 0.016%; no homozygotes.

Submissions (5):

Ambry Genetics
Classification: Uncertain significance for Cardiovascular phenotype. Last evaluated: 2026-03-17. Review status: criteria provided, single submitter. Criteria: Ambry Variant Classification Scheme 2023. Collection method: clinical testing. Allele origin: germline.
Comment: The c.2584G>A (p.E862K) alteration is located in exon 16 (coding exon 16) of the CBL gene. This alteration results from a G to A substitution at nucleotide position 2584, causing the glutamic acid (E) at amino acid position 862 to be replaced by a lysine (K). Based on data from gnomAD, the A allele has an overall frequency of 0.002% (6/251462) total alleles studied. The highest observed frequency was 0.004% (5/113742) of European (non-Finnish) alleles. Based on insufficient or conflicting evidence, the clinical significance of this alteration remains unclear.

Labcorp Genetics (formerly Invitae), Labcorp
Classification: Uncertain significance for RASopathy. Last evaluated: 2026-01-27. Review status: criteria provided, single submitter. Criteria: Invitae Variant Classification Sherloc (09022015). Collection method: clinical testing. Allele origin: germline.
Comment: This sequence change replaces glutamic acid, which is acidic and polar, with lysine, which is basic and polar, at codon 862 of the CBL protein (p.Glu862Lys). This variant is present in population databases (rs397507498, gnomAD 0.004%). This variant has not been reported in the literature in individuals affected with CBL-related conditions. ClinVar contains an entry for this variant (Variation ID: 40426). Invitae Evidence Modeling of protein sequence and biophysical properties (such as structural, functional, and spatial information, amino acid conservation, physicochemical variation, residue mobility, and thermodynamic stability) indicates that this missense variant is not expected to disrupt CBL protein function with a negative predictive value of 95%. In summary, the available evidence is currently insufficient to determine the role of this variant in disease. Therefore, it has been classified as a Variant of Uncertain Significance.

Blueprint Genetics
Classification: Uncertain significance. Last evaluated: 2022-05-16. Review status: criteria provided, single submitter. Criteria: ACMG Guidelines, 2015. Collection method: clinical testing. Allele origin: germline.

Fulgent Genetics
Classification: Uncertain significance for Juvenile myelomonocytic leukemia; CBL-related disorder. Last evaluated: 2021-10-06. Review status: criteria provided, single submitter. Criteria: ACMG Guidelines, 2015. Collection method: clinical testing. Allele origin: unknown.

GeneDx
Classification: Uncertain significance. Last evaluated: 2012-07-19. Review status: criteria provided, single submitter. Criteria: GeneDx Variant Classification (06012015). Collection method: clinical testing. Allele origin: germline. Affected: yes.
Comment: This variant is denoted p.Glu863Lys at the protein level, c.2584G>A at the cDNA level, and results in the change of a Glutamic acid for a Lysine (GAG>AAG) in exon 16 of the CBL gene (NM_00005188.2). The E862K missense change is a non-conservative amino acid substitution with a positively-charged residue (Lys) replacing a negatively-charged residue (Glu). The position at which this substitution occurs is conserved in the protein but not in related proteins. The E862K missense change occurs with the ubiquitin-associated domain of the protein; however, no missense mutations have been reported in the CBL gene beyond codon Arginine 420 (Martinelli et al., 2010).With the current information, we interpret E862K as a variant of unknown significance. The variant is found in NOONAN panel(s).